The following is an entry in ClinVar:

NM_001379659.1(ZNF142):c.3648G>T (p.Leu1216=)

Gene: ZNF142 (zinc finger protein 142; minus strand). Cytogenetic location: 2q35.
Variant type: single nucleotide variant.
Coding change: c.3648G>T on transcript NM_001379659.1 (MANE Select); coding-DNA position 3648, G replaced by T.
Protein change: p.Leu1216=; no amino-acid change (leucine 1216 retained).
Molecular consequence: synonymous variant.
Genome position (GRCh38, 1-based): chr2:218,643,468, C>A on the plus strand (G>T on the coding strand, the complement: ZNF142 is on the minus strand). VCF-style: chr2-218643468-C-A. GRCh37 (hg19) VCF-style: chr2-219508191-C-A.
Other names: c.3048G>T, p.Leu1016= (NM_001105537.5, NM_001366291.3, NM_001379662.1); c.2559G>T, p.Leu853= (NM_001366287.3, NM_001366288.3, NM_001366289.3); c.3648G>T, p.Leu1216= (NM_001366290.3, NM_001379660.1, NM_001379661.1).
Identifiers: ClinVar variation 5040804 (VCV005040804.1).
Genomic context (GRCh38, chr2:218,643,468, plus strand): 5'-GGAACAAAGGAATGGGCAGGAGTTGCAGTGAAACTTGCCCTGCTCAAAGCGGTGCTTCTT[C>A]AGGGCCTCTGTGGGTGAGGAGTTTCCTGCAGGAGGGACTGGGTCAAGGTGGTGCTTCTTA-3'
Protein context (NP_001366588.1, residues 1206-1226): PAGNSSPTEA[Leu1216=]KKHRFEQGKF

ClinVar aggregate classification (germline): Likely benign (1 of 4 stars; one submission).

Submission:

CeGaT Center for Human Genetics Tuebingen
Classification: Likely benign. Last evaluated: 2026-09-01. Review status: criteria provided, single submitter. Criteria: CeGaT Center For Human Genetics Tuebingen Variant Classification Criteria Version 2. Collection method: clinical testing. Allele origin: germline. Affected: yes. Observed: 1 variant allele.
Comment: ZNF142: PM2:Supporting, BP4, BP7